The following is an entry in ClinVar:

NM_014159.7(SETD2):c.1389A>G (p.Glu463=)

Gene: SETD2 (SET domain containing 2, histone lysine methyltransferase; minus strand). Cytogenetic location: 3p21.31.
Variant type: single nucleotide variant.
Coding change: c.1389A>G on transcript NM_014159.7 (MANE Select); coding-DNA position 1389, A replaced by G.
Protein change: p.Glu463=; no amino-acid change (glutamic acid 463 retained).
Molecular consequence: synonymous variant. On other transcripts: non-coding transcript variant (1).
Genome position (GRCh38, 1-based): chr3:47,123,247, T>C on the plus strand (A>G on the coding strand, the complement: SETD2 is on the minus strand). VCF-style: chr3-47123247-T-C. GRCh37 (hg19) VCF-style: chr3-47164737-T-C.
Other names: c.1257A>G, p.Glu419= (NM_001349370.3).
Identifiers: ClinVar variation 3390042 (VCV003390042.14).

ClinVar aggregate classification (germline): Likely benign (1 of 4 stars; one submission).

Submission:

CeGaT Center for Human Genetics Tuebingen
Classification: Likely benign. Last evaluated: 2024-11-01. Review status: criteria provided, single submitter. Criteria: CeGaT Center For Human Genetics Tuebingen Variant Classification Criteria Version 2. Collection method: clinical testing. Allele origin: germline. Affected: yes. Observed: 1 variant allele.
Comment: SETD2: PM2:Supporting, BP4, BP7